The following is an entry in ClinVar:

ClinVar aggregate classification (germline): Uncertain significance (1 of 4 stars; one submission).

Conditions:
Propionic acidemia (PROP). Also called: GLYCINEMIA, KETOTIC; HYPERGLYCINEMIA WITH KETOACIDOSIS AND LEUKOPENIA; KETOTIC HYPERGLYCINEMIA. Identifiers: Orphanet 35, MedGen C0268579, MONDO:0011628, OMIM 606054, HP:0003571.

Submission:

Labcorp Genetics (formerly Invitae), Labcorp
Classification: Uncertain significance for Propionic acidemia. Last evaluated: 2025-10-01. Review status: criteria provided, single submitter. Criteria: Invitae Variant Classification Sherloc (09022015). Collection method: clinical testing. Allele origin: germline.
Comment: This sequence change replaces histidine, which is basic and polar, with arginine, which is basic and polar, at codon 59 of the PCCB protein (p.His59Arg). This variant is not present in population databases (gnomAD no frequency). This variant has not been reported in the literature in individuals affected with PCCB-related conditions. Invitae Evidence Modeling of protein sequence and biophysical properties (such as structural, functional, and spatial information, amino acid conservation, physicochemical variation, residue mobility, and thermodynamic stability) has been performed for this missense variant. However, the output from this modeling did not meet the statistical confidence thresholds required to predict the impact of this variant on PCCB protein function. In summary, the available evidence is currently insufficient to determine the role of this variant in disease. Therefore, it has been classified as a Variant of Uncertain Significance.

NM_000532.5(PCCB):c.176A>G (p.His59Arg)

Gene: PCCB (propionyl-CoA carboxylase subunit beta; plus strand). Cytogenetic location: 3q22.3.
Variant type: single nucleotide variant.
Coding change: c.176A>G on transcript NM_000532.5 (MANE Select); coding-DNA position 176, A replaced by G.
Protein change: p.His59Arg; replaces histidine 59 with arginine.
Molecular consequence: missense variant.
Genome position (GRCh38, 1-based): chr3:136,250,551, A>G. VCF-style: chr3-136250551-A-G. GRCh37 (hg19) VCF-style: chr3-135969393-A-G.
Other names: c.176A>G, p.His59Arg (NM_001178014.2); short protein forms H59R.
Identifiers: ClinVar variation 4753242 (VCV004753242.1).